The following is an entry in ClinVar:

ClinVar aggregate classification (germline): Conflicting classifications of pathogenicity. Review status: criteria provided, conflicting classifications (1 of 4 stars). 4 submissions from 4 submitters: Uncertain significance (2); Likely benign (2). Last evaluated 2024-04-01.

Allele frequency attached by ClinVar (database versions not stated): gnomAD exomes 0.00006 and 0.00012; ExAC 0.00015; ESP Exome Variant Server 0.00046; 1000 Genomes Project 30x 0.00047; gnomAD 0.00050 and 0.00054; TOPMed 0.00055; 1000 Genomes Project 0.00060.
gnomAD v4.1: 186 of 1,614,110 alleles (0.012%); highest among the groups gnomAD compares: African/African-American, 0.2%; no homozygotes.

Submissions (4):

Women's Health and Genetics/Laboratory Corporation of America, LabCorp
Classification: Uncertain significance. Last evaluated: 2024-04-01. Review status: criteria provided, single submitter. Criteria: LabCorp Variant Classification Summary - May 2015. Collection method: clinical testing. Allele origin: germline.
Comment: Variant summary: CDC14A c.31G>A (p.Ala11Thr) results in a non-conservative amino acid change located in the Dual specificity/tyrosine protein phosphatase, N-terminal (IPR029260) of the encoded protein sequence. Three of five in-silico tools predict a benign effect of the variant on protein function. The variant allele was found at a frequency of 0.00012 in 248998 control chromosomes (gnomAD). To our knowledge, no occurrence of c.31G>A in individuals affected with Autosomal Recessive Nonsyndromic Hearing Loss 32 and no experimental evidence demonstrating its impact on protein function have been reported. ClinVar contains an entry for this variant (Variation ID: 1120113). Based on the evidence outlined above, the variant was classified as uncertain significance.

Labcorp Genetics (formerly Invitae), Labcorp
Classification: Uncertain significance. Last evaluated: 2024-02-24. Review status: criteria provided, single submitter. Criteria: Invitae Variant Classification Sherloc (09022015). Collection method: clinical testing. Allele origin: germline.
Comment: This sequence change replaces alanine, which is neutral and non-polar, with threonine, which is neutral and polar, at codon 11 of the CDC14A protein (p.Ala11Thr). This variant is present in population databases (rs140623300, gnomAD 0.1%). This variant has not been reported in the literature in individuals affected with CDC14A-related conditions. ClinVar contains an entry for this variant (Variation ID: 1120113). An algorithm developed to predict the effect of missense changes on protein structure and function (PolyPhen-2) suggests that this variant¬†is likely to be tolerated. In summary, the available evidence is currently insufficient to determine the role of this variant in disease. Therefore, it has been classified as a Variant of Uncertain Significance.

GeneDx
Classification: Likely benign. Last evaluated: 2021-05-18. Review status: criteria provided, single submitter. Criteria: GeneDx Variant Classification Process June 2021. Collection method: clinical testing. Allele origin: germline. Affected: yes.
Comment: See Variant Classification Assertion Criteria.

Laboratory for Molecular Medicine, Mass General Brigham Personalized Medicine
Classification: Likely benign. Last evaluated: 2020-05-07. Review status: criteria provided, single submitter. Criteria: LMM Criteria. Collection method: clinical testing. Allele origin: germline. Observed: 1 variant allele.
Comment: The p.Ala11Thr variant in CDC14A is classified as likely benign because it has been identified in 0.1% (37/24958) of African chromosomes by gnomAD, and computational prediction tools predict that this variant does not impact the protein. ACMG/AMP Criteria applied: BS1_Supporting, BP4.

NM_003672.4(CDC14A):c.31G>A (p.Ala11Thr)

Gene: CDC14A (cell division cycle 14A; plus strand). Cytogenetic location: 1p21.2.
Variant type: single nucleotide variant.
Coding change: c.31G>A on transcript NM_003672.4 (MANE Select); coding-DNA position 31, G replaced by A.
Protein change: p.Ala11Thr; replaces alanine 11 with threonine.
Molecular consequence: missense variant. On other transcripts: 5 prime UTR variant (1), intron variant (1).
Genome position (GRCh38, 1-based): chr1:100,352,985, G>A. VCF-style: chr1-100352985-G-A. GRCh37 (hg19) VCF-style: chr1-100818541-G-A.
Other names: c.31G>A, p.Ala11Thr (NM_001319210.2, NM_033312.3, NM_033313.3); c.-761G>A (NM_001319212.2); c.-125-777G>A (NM_001319211.2); c.31G>A (NM_003672.3); short protein forms A11T.
Identifiers: ClinVar variation 1120113 (VCV001120113.8), dbSNP rs140623300, ClinGen allele CA970393.